The following is an entry in ClinVar:

ClinVar aggregate classification (germline): Uncertain significance. Review status: criteria provided, multiple submitters, no conflicts (2 of 4 stars). 5 submissions from 5 submitters: Uncertain significance (3). 2 of the submissions do not count toward it. Last evaluated 2024-12-14.

Conditions:
Cardiovascular phenotype. Identifiers: MedGen CN230736.
Myofibrillar myopathy 6. Identifiers: Orphanet 199340, MedGen C2751831, MONDO:0013061, OMIM 612954.
Dilated cardiomyopathy 1HH (CMD1HH). Identifiers: Orphanet 154, MedGen C3151293, MONDO:0013479, OMIM 613881.

Allele frequency attached by ClinVar (database versions not stated): gnomAD 0.00001; gnomAD exomes 0.00002 and 0.00003; ExAC 0.00003; TOPMed 0.00003.
gnomAD v4.1: 37 of 1,613,026 alleles (0.0023%); highest among the groups gnomAD compares: Non-Finnish European, 0.003%; no homozygotes.

Submissions (5):

Ambry Genetics
Classification: Uncertain significance for Cardiovascular phenotype. Last evaluated: 2024-12-14. Review status: criteria provided, single submitter. Criteria: Ambry Variant Classification Scheme 2023. Collection method: clinical testing. Allele origin: germline.
Comment: The p.C151Y variant (also known as c.452G>A), located in coding exon 2 of the BAG3 gene, results from a G to A substitution at nucleotide position 452. The cysteine at codon 151 is replaced by tyrosine, an amino acid with highly dissimilar properties. This amino acid position is conserved. In addition, this alteration is predicted to be tolerated by in silico analysis. Since supporting evidence is limited at this time, the clinical significance of this alteration remains unclear.

Labcorp Genetics (formerly Invitae), Labcorp
Classification: Uncertain significance for Dilated cardiomyopathy 1HH; Myofibrillar myopathy 6. Last evaluated: 2022-06-14. Review status: criteria provided, single submitter. Criteria: Invitae Variant Classification Sherloc (09022015). Collection method: clinical testing. Allele origin: germline.
Comment: ClinVar contains an entry for this variant (Variation ID: 1299827). In summary, the available evidence is currently insufficient to determine the role of this variant in disease. Therefore, it has been classified as a Variant of Uncertain Significance. Algorithms developed to predict the effect of missense changes on protein structure and function are either unavailable or do not agree on the potential impact of this missense change (SIFT: "Tolerated"; PolyPhen-2: "Probably Damaging"; Align-GVGD: "Class C0"). This variant has not been reported in the literature in individuals affected with BAG3-related conditions. This variant is present in population databases (rs770678896, gnomAD 0.005%). This sequence change replaces cysteine, which is neutral and slightly polar, with tyrosine, which is neutral and polar, at codon 151 of the BAG3 protein (p.Cys151Tyr).

Fulgent Genetics
Classification: Uncertain significance for Myofibrillar myopathy 6; Dilated cardiomyopathy 1HH. Last evaluated: 2021-07-07. Review status: criteria provided, single submitter. Criteria: ACMG Guidelines, 2015. Collection method: clinical testing. Allele origin: unknown.

Clinical Genetics DNA and cytogenetics Diagnostics Lab, Erasmus MC, Erasmus Medical Center
Classification: Uncertain significance. Review status: no assertion criteria provided. Collection method: clinical testing. Allele origin: germline. Affected: yes. Study: VKGL Data-share Consensus. Not counted in ClinVar's aggregate classification.

Genome Diagnostics Laboratory, University Medical Center Utrecht
Classification: Uncertain significance. Review status: no assertion criteria provided. Collection method: clinical testing. Allele origin: germline. Affected: yes. Study: VKGL Data-share Consensus. Not counted in ClinVar's aggregate classification.

NM_004281.4(BAG3):c.452G>A (p.Cys151Tyr)

Gene: BAG3 (BAG cochaperone 3; plus strand). Cytogenetic location: 10q26.11.
Variant type: single nucleotide variant.
Coding change: c.452G>A on transcript NM_004281.4 (MANE Select); coding-DNA position 452, G replaced by A.
Protein change: p.Cys151Tyr; replaces cysteine 151 with tyrosine.
Molecular consequence: missense variant.
Genome position (GRCh38, 1-based): chr10:119,670,122, G>A. VCF-style: chr10-119670122-G-A. GRCh37 (hg19) VCF-style: chr10-121429634-G-A.
Other names: short protein forms C151Y.
Identifiers: ClinVar variation 1299827 (VCV001299827.11), dbSNP rs770678896, ClinGen allele CA5716320.